The following is an entry in ClinVar:

NM_014043.4(CHMP2B):c.531+8C>T

Gene: CHMP2B (charged multivesicular body protein 2B; plus strand). Cytogenetic location: 3p11.2.
Variant type: single nucleotide variant.
Coding change: c.531+8C>T on transcript NM_014043.4 (MANE Select); 8 bases into the intron after coding-DNA position 531, C replaced by T.
Molecular consequence: intron variant.
Genome position (GRCh38, 1-based): chr3:87,253,518, C>T. VCF-style: chr3-87253518-C-T. GRCh37 (hg19) VCF-style: chr3-87302668-C-T.
Other names: c.408+8C>T (NM_001244644.2).
Identifiers: ClinVar variation 902967 (VCV000902967.12), dbSNP rs374796686, ClinGen allele CA2501012.

ClinVar aggregate classification (germline): Conflicting classifications of pathogenicity. Review status: criteria provided, conflicting classifications (1 of 4 stars). 3 submissions from 3 submitters: Uncertain significance (1); Likely benign (2). Last evaluated 2026-06-08.

Conditions:
CHMP2B-related disorder. Also called: CHMP2B-related condition.
Frontotemporal dementia and/or amyotrophic lateral sclerosis 7 (FTDALS7). Also called: Amyotrophic lateral sclerosis 17; AMYOTROPHIC LATERAL SCLEROSIS, CHMP2B-RELATED; CHMP2B-related frontotemporal dementia; CHMP2B-Related Frontotemporal Dementia-Amyotrophic Lateral Sclerosis. Identifiers: Orphanet 275864, Orphanet 282, Orphanet 803, MedGen C1833296, MONDO:0010936, OMIM 600795.

Allele frequency attached by ClinVar (database versions not stated): gnomAD exomes below 0.00001; ExAC 0.00001; TOPMed 0.00001; ESP Exome Variant Server 0.00008.
gnomAD v4.1: 20 of 1,550,340 alleles (0.0013%); highest among the groups gnomAD compares: African/African-American, 0.0068%; no homozygotes.

Submissions (3):

PreventionGenetics, part of Exact Sciences
Classification: Likely benign for CHMP2B-related condition. Last evaluated: 2026-06-08. Review status: criteria provided, single submitter. Criteria: ACMG Guidelines, 2015. Collection method: clinical testing. Allele origin: germline.
Comment: This variant is classified as likely benign based on ACMG/AMP sequence variant interpretation guidelines (Richards et al. 2015 PMID: 25741868, with internal and published modifications).

Labcorp Genetics (formerly Invitae), Labcorp
Classification: Likely benign for Frontotemporal dementia and/or amyotrophic lateral sclerosis 7. Last evaluated: 2023-11-01. Review status: criteria provided, single submitter. Criteria: Invitae Variant Classification Sherloc (09022015). Collection method: clinical testing. Allele origin: germline.

Illumina Laboratory Services, Illumina
Classification: Uncertain significance for Frontotemporal dementia and/or amyotrophic lateral sclerosis 7. Last evaluated: 2018-01-13. Review status: criteria provided, single submitter. Criteria: ICSL Variant Classification Criteria 13 December 2019. Collection method: clinical testing. Allele origin: germline.